The following is an entry in ClinVar:

ClinVar aggregate classification (germline): Uncertain significance. Review status: criteria provided, multiple submitters, no conflicts (2 of 4 stars). 3 submissions from 3 submitters: Uncertain significance (3). Last evaluated 2026-06-24.

Conditions:
Neurofibromatosis, type 2 (SWNV). Also called: SCHWANNOMATOSIS, VESTIBULAR; BILATERAL ACOUSTIC NEUROFIBROMATOSIS; NF2-Related Schwannomatosis. Identifiers: Orphanet 637, MedGen C0027832, MONDO:0007039, OMIM 101000. Disease mechanism: loss of function.
Hereditary cancer-predisposing syndrome. Also called: Tumor predisposition; Hereditary Cancer Syndrome; Hereditary neoplastic syndrome; Neoplastic Syndromes, Hereditary. Identifiers: Orphanet 140162, MedGen C0027672, MeSH D009386, MONDO:0015356.

Allele frequency attached by ClinVar (database versions not stated): gnomAD 0.00001.

Submissions (3):

Ambry Genetics
Classification: Uncertain significance for Hereditary cancer-predisposing syndrome. Last evaluated: 2026-06-24. Review status: criteria provided, single submitter. Criteria: Ambry Variant Classification Scheme 2023. Collection method: clinical testing. Allele origin: germline.
Comment: The p.Y481C variant (also known as c.1442A>G), located in coding exon 13 of the NF2 gene, results from an A to G substitution at nucleotide position 1442. The tyrosine at codon 481 is replaced by cysteine, an amino acid with highly dissimilar properties. This amino acid position is well conserved in available vertebrate species. In addition, the in silico prediction for this alteration is inconclusive. Based on the available evidence, the clinical significance of this variant remains unclear.

Labcorp Genetics (formerly Invitae), Labcorp
Classification: Uncertain significance for Neurofibromatosis, type 2. Last evaluated: 2024-03-28. Review status: criteria provided, single submitter. Criteria: Invitae Variant Classification Sherloc (09022015). Collection method: clinical testing. Allele origin: germline.
Comment: This sequence change replaces tyrosine, which is neutral and polar, with cysteine, which is neutral and slightly polar, at codon 481 of the NF2 protein (p.Tyr481Cys). This variant is not present in population databases (gnomAD no frequency). This variant has not been reported in the literature in individuals affected with NF2-related conditions. ClinVar contains an entry for this variant (Variation ID: 1009711). Advanced modeling of protein sequence and biophysical properties (such as structural, functional, and spatial information, amino acid conservation, physicochemical variation, residue mobility, and thermodynamic stability) performed at Invitae indicates that this missense variant is not expected to disrupt NF2 protein function with a negative predictive value of 80%. In summary, the available evidence is currently insufficient to determine the role of this variant in disease. Therefore, it has been classified as a Variant of Uncertain Significance.

All of Us Research Program, National Institutes of Health
Classification: Uncertain significance for Neurofibromatosis, type 2. Last evaluated: 2023-02-24. Review status: criteria provided, single submitter. Criteria: ACMG Guidelines, 2015. Collection method: clinical testing. Allele origin: germline. Inheritance: Autosomal dominant inheritance. Observed: 1 variant allele, 1 heterozygote.
Comment: This missense variant replaces tyrosine with cysteine at codon 481 of the NF2 protein. Computational prediction is inconclusive regarding the impact of this variant on protein structure and function (internally defined REVEL score threshold 0.5 < inconclusive < 0.7, PMID: 27666373). To our knowledge, functional studies have not been reported for this variant. This variant has not been reported in individuals affected with NF2-related disorders in the literature. This variant has not been identified in the general population by the Genome Aggregation Database (gnomAD). The available evidence is insufficient to determine the role of this variant in disease conclusively. Therefore, this variant is classified as a Variant of Uncertain Significance.

This study involves interpretation of variants in research participants for the purpose of population health screening. Participant phenotype was not available at the time of variant classification. Additional details can be found in publication PMID: 35346344, PMCID: PMC8962531

NM_000268.4(NF2):c.1442A>G (p.Tyr481Cys)

Gene: NF2 (NF2, moesin-ezrin-radixin like (MERLIN) tumor suppressor; plus strand). Cytogenetic location: 22q12.2.
Variant type: single nucleotide variant.
Coding change: c.1442A>G on transcript NM_000268.4 (MANE Select); coding-DNA position 1442, A replaced by G.
Protein change: p.Tyr481Cys; replaces tyrosine 481 with cysteine.
Molecular consequence: missense variant. On other transcripts: non-coding transcript variant (1), intron variant (1).
Genome position (GRCh38, 1-based): chr22:29,674,937, A>G. VCF-style: chr22-29674937-A-G. GRCh37 (hg19) VCF-style: chr22-30070926-A-G.
Other names: c.1442A>G, p.Tyr481Cys (NM_016418.5, NM_181825.3, NM_181832.3); c.1316A>G, p.Tyr439Cys (NM_181828.3); c.1319A>G, p.Tyr440Cys (NM_181829.3); c.1193A>G, p.Tyr398Cys (NM_181830.3, NM_181831.3); c.448-19815A>G (NM_181833.3); c.1442A>G (NM_000268.3); short protein forms Y398C, Y439C, Y440C, Y481C.
Identifiers: ClinVar variation 1009711 (VCV001009711.11), dbSNP rs2066916034, ClinGen allele CA411149219.